The following is an entry in ClinVar:

ClinVar aggregate classification (germline): Uncertain significance (1 of 4 stars; one submission).

Allele frequency attached by ClinVar (database versions not stated): TOPMed 0.00001; 1000 Genomes Project 0.00020; 1000 Genomes Project 30x 0.00031.

Submission:

Labcorp Genetics (formerly Invitae), Labcorp
Classification: Uncertain significance. Last evaluated: 2022-07-26. Review status: criteria provided, single submitter. Criteria: Invitae Variant Classification Sherloc (09022015). Collection method: clinical testing. Allele origin: germline.
Comment: This sequence change replaces glutamic acid, which is acidic and polar, with lysine, which is basic and polar, at codon 1610 of the MCM3AP protein (p.Glu1610Lys). This variant is present in population databases (rs562096694, gnomAD 0.003%). This variant has not been reported in the literature in individuals affected with MCM3AP-related conditions. Algorithms developed to predict the effect of missense changes on protein structure and function are either unavailable or do not agree on the potential impact of this missense change (SIFT: "Deleterious"; PolyPhen-2: "Probably Damaging"; Align-GVGD: "Class C0"). In summary, the available evidence is currently insufficient to determine the role of this variant in disease. Therefore, it has been classified as a Variant of Uncertain Significance.

NM_003906.5(MCM3AP):c.4828G>A (p.Glu1610Lys)

Genes: MCM3AP (minichromosome maintenance complex component 3 associated protein; minus strand), MCM3AP-AS1 (MCM3AP antisense RNA 1; plus strand). Cytogenetic location: 21q22.3.
Variant type: single nucleotide variant.
Coding change: c.4828G>A on transcript NM_003906.5 (MANE Select); coding-DNA position 4828, G replaced by A.
Protein change: p.Glu1610Lys; replaces glutamic acid 1610 with lysine.
Molecular consequence: missense variant.
Genome position (GRCh38, 1-based): chr21:46,245,017, C>T on the plus strand (G>A on the coding strand, the complement: MCM3AP is on the minus strand). VCF-style: chr21-46245017-C-T. GRCh37 (hg19) VCF-style: chr21-47664931-C-T.
Other names: short protein forms E1610K.
Identifiers: ClinVar variation 2155227 (VCV002155227.1), dbSNP rs562096694, ClinGen allele CA10076002.